The following is an entry in ClinVar:

ClinVar aggregate classification (germline): Likely benign. Review status: criteria provided, single submitter (1 of 4 stars). 2 submissions from 2 submitters: Likely benign (1). 1 of the submissions does not count toward it. Last evaluated 2025-08-04.

Conditions:
IFNLR1-related disorder. Also called: IFNLR1-related condition.

gnomAD v4.1: 88 of 1,609,574 alleles (0.0055%); highest among the groups gnomAD compares: Admixed American, 0.15%; 2 homozygotes.

Submissions (2):

Ambry Genetics
Classification: Likely benign. Last evaluated: 2025-08-04. Review status: criteria provided, single submitter. Criteria: Ambry Variant Classification Scheme 2023. Collection method: clinical testing. Allele origin: germline.

PreventionGenetics, part of Exact Sciences
Classification: Likely benign for IFNLR1-related condition. Last evaluated: 2024-07-12. Review status: no assertion criteria provided. Collection method: clinical testing. Allele origin: germline. Not counted in ClinVar's aggregate classification.
Comment: This variant is classified as likely benign based on ACMG/AMP sequence variant interpretation guidelines (Richards et al. 2015 PMID: 25741868, with internal and published modifications).

NM_170743.4(IFNLR1):c.843C>T (p.Pro281=)

Gene: IFNLR1 (interferon lambda receptor 1; minus strand). Cytogenetic location: 1p36.11.
Variant type: single nucleotide variant.
Coding change: c.843C>T on transcript NM_170743.4 (MANE Select); coding-DNA position 843, C replaced by T.
Protein change: p.Pro281=; no amino-acid change (proline 281 retained).
Molecular consequence: synonymous variant. On other transcripts: nonsense (1), intron variant (1).
Genome position (GRCh38, 1-based): chr1:24,157,850, G>A on the plus strand (C>T on the coding strand, the complement: IFNLR1 is on the minus strand). VCF-style: chr1-24157850-G-A. GRCh37 (hg19) VCF-style: chr1-24484340-G-A.
Other names: c.712C>T, p.Gln238Ter (NM_173065.3); c.802-46C>T (NM_173064.3); c.843C>T (NM_170743.3); short protein forms Q238*.
Identifiers: ClinVar variation 3351709 (VCV003351709.2).